The following is an entry in ClinVar:

ClinVar aggregate classification (germline): Likely benign (1 of 4 stars; one submission).

Submission:

CeGaT Center for Human Genetics Tuebingen
Classification: Likely benign. Last evaluated: 2024-02-01. Review status: criteria provided, single submitter. Criteria: CeGaT Center For Human Genetics Tuebingen Variant Classification Criteria Version 2. Collection method: clinical testing. Allele origin: germline. Affected: yes. Observed: 1 variant allele.
Comment: BPTF: BP4, BP7

NM_182641.4(BPTF):c.8061T>A (p.Pro2687=)

Gene: BPTF (bromodomain PHD finger transcription factor; plus strand). Cytogenetic location: 17q24.2.
Variant type: single nucleotide variant.
Coding change: c.8061T>A on transcript NM_182641.4 (MANE Select); coding-DNA position 8061, T replaced by A.
Protein change: p.Pro2687=; no amino-acid change (proline 2687 retained).
Molecular consequence: synonymous variant.
Genome position (GRCh38, 1-based): chr17:67,959,675, T>A. VCF-style: chr17-67959675-T-A. GRCh37 (hg19) VCF-style: chr17-65955791-T-A.
Other names: c.8010T>A, p.Pro2670= (NM_004459.7).
Identifiers: ClinVar variation 3025557 (VCV003025557.22), dbSNP rs782267840, ClinGen allele CA501696791.